The following is an entry in ClinVar:

NM_005148.4(UNC119):c.439G>C (p.Val147Leu)

Gene: UNC119 (unc-119 lipid binding chaperone; minus strand). Cytogenetic location: 17q11.2.
Variant type: single nucleotide variant.
Coding change: c.439G>C on transcript NM_005148.4 (MANE Select); coding-DNA position 439, G replaced by C.
Protein change: p.Val147Leu; replaces valine 147 with leucine.
Molecular consequence: missense variant.
Genome position (GRCh38, 1-based): chr17:28,547,848, C>G on the plus strand (G>C on the coding strand, the complement: UNC119 is on the minus strand). VCF-style: chr17-28547848-C-G. GRCh37 (hg19) VCF-style: chr17-26874866-C-G.
Other names: c.154G>C, p.Val52Leu (NM_001330166.2); c.439G>C, p.Val147Leu (NM_054035.2); short protein forms V52L, V147L.
Identifiers: ClinVar variation 1487154 (VCV001487154.6), dbSNP rs759458653, ClinGen allele CA398330965.

ClinVar aggregate classification (germline): Uncertain significance (1 of 4 stars; one submission).

gnomAD v4.1: 1 of 1,614,116 alleles (0.000062%); highest among the groups gnomAD compares: Non-Finnish European, 0.000085%; no homozygotes.

Submission:

Labcorp Genetics (formerly Invitae), Labcorp
Classification: Uncertain significance. Last evaluated: 2021-01-12. Review status: criteria provided, single submitter. Criteria: Invitae Variant Classification Sherloc (09022015). Collection method: clinical testing. Allele origin: germline.
Comment: Algorithms developed to predict the effect of missense changes on protein structure and function are either unavailable or do not agree on the potential impact of this missense change (SIFT: "Not Available"; PolyPhen-2: "Probably Damaging"; Align-GVGD: "Not Available"). In summary, the available evidence is currently insufficient to determine the role of this variant in disease. Therefore, it has been classified as a Variant of Uncertain Significance. This variant has not been reported in the literature in individuals with UNC119-related conditions. This variant is not present in population databases (ExAC no frequency). This sequence change replaces valine with leucine at codon 147 of the UNC119 protein (p.Val147Leu). The valine residue is highly conserved and there is a small physicochemical difference between valine and leucine.